The following is an entry in ClinVar:

ClinVar aggregate classification (germline): Conflicting classifications of pathogenicity. Review status: criteria provided, conflicting classifications (1 of 4 stars). 3 submissions from 3 submitters: Likely pathogenic (1); Uncertain significance (1). 1 of the submissions does not count toward it. Last evaluated 2024-10-16.

Conditions:
Upshaw-Schulman syndrome (TTP). Also called: Congenital thrombotic thrombocytopenic purpura; THROMBOTIC THROMBOCYTOPENIC PURPURA, HEREDITARY. Identifiers: Orphanet 93583, MedGen C1268935, MONDO:0010122, OMIM 274150.

Allele frequency attached by ClinVar (database versions not stated): gnomAD exomes below 0.00001; TOPMed 0.00003.

Submissions (3):

Labcorp Genetics (formerly Invitae), Labcorp
Classification: Uncertain significance. Last evaluated: 2024-10-16. Review status: criteria provided, single submitter. Criteria: Invitae Variant Classification Sherloc (09022015). Collection method: clinical testing. Allele origin: germline.
Comment: This sequence change replaces valine, which is neutral and non-polar, with methionine, which is neutral and non-polar, at codon 88 of the ADAMTS13 protein (p.Val88Met). The frequency data for this variant in the population databases is considered unreliable, as metrics indicate poor data quality at this position in the gnomAD database. This missense change has been observed in individual(s) with thrombotic thrombocytopenic purpura (PMID: 14597993, 15800115, 30792199). It has also been observed to segregate with disease in related individuals. ClinVar contains an entry for this variant (Variation ID: 68812). Invitae Evidence Modeling of protein sequence and biophysical properties (such as structural, functional, and spatial information, amino acid conservation, physicochemical variation, residue mobility, and thermodynamic stability) indicates that this missense variant is expected to disrupt ADAMTS13 protein function with a positive predictive value of 80%. Experimental studies have shown that this missense change affects ADAMTS13 function (PMID: 16453338, 17003922). In summary, the available evidence is currently insufficient to determine the role of this variant in disease. Therefore, it has been classified as a Variant of Uncertain Significance.

Illumina Laboratory Services, Illumina
Classification: Likely pathogenic for Upshaw-Schulman syndrome. Last evaluated: 2019-04-05. Review status: criteria provided, single submitter. Criteria: ICSL Variant Classification Criteria 09 May 2019. Collection method: clinical testing. Allele origin: germline.
Comment: The ADAMTS13 c.262G>A (p.Val88Met) missense variant has been reported in three studies in which it was identified in a compound heterozygous state with another missense variant in six individuals from two families with familial thrombotic thrombocytopenia purpura (Bestetti et al. 2003; Noris et al. 2005; Peyvandi et al. 2006). In each family, one of the compound heterozygotes was clinically asymptomatic with severely reduced protease activity (Bestetti et al. 2003; Noris et al. 2005). The p.Val88Met variant was absent from 200 control subjects and is not found in the 1000 Genomes Project, the Exome Sequencing Project, the Exome Aggregation Consortium, or the Genome Aggregation Database despite being found in a region of good sequence coverage, suggesting that the variant is rare. All compound heterozygotes tested from the two families showed ADAMTS13 protease activity of less than 10% of normal levels (Bestetti et al. 2003; Noris et al. 2005). In two heterozygous individuals from a single family, the protease activity was observed to be 50% of normal (Noris et al. 2005). Payvandi et al. (2006) and Noris et al. (2005) also analyzed secretion and activity in HEK293 cells and found reduced levels of between 30% - 40% for secretion and 18% to 40% activity compared to normal. Based on the collective evidence, the p.Val88Met variant is classified as likely pathogenic for familial thrombotic thrombocytopenia purpura. This variant was observed by ICSL as part of a predisposition screen in an ostensibly healthy population.

UniProtKB/Swiss-Prot
No classification provided. Review status: no classification provided. Collection method: not provided. Allele origin: not provided. Not counted in ClinVar's aggregate classification.

Literature cited by the submitters: PubMed 14597993 (cited by Labcorp Genetics (formerly Invitae), Labcorp and Illumina Laboratory Services, Illumina); PubMed 15800115 (cited by Labcorp Genetics (formerly Invitae), Labcorp and Illumina Laboratory Services, Illumina); PubMed 30792199 (cited by Labcorp Genetics (formerly Invitae), Labcorp); PubMed 16453338 (cited by Labcorp Genetics (formerly Invitae), Labcorp and Illumina Laboratory Services, Illumina); PubMed 17003922 (cited by Labcorp Genetics (formerly Invitae), Labcorp).

NM_139027.6(ADAMTS13):c.262G>A (p.Val88Met)

Gene: ADAMTS13 (ADAM metallopeptidase with thrombospondin type 1 motif 13; plus strand). Cytogenetic location: 9q34.2.
Variant type: single nucleotide variant.
Coding change: c.262G>A on transcript NM_139027.6 (MANE Select); coding-DNA position 262, G replaced by A.
Protein change: p.Val88Met; replaces valine 88 with methionine.
Molecular consequence: missense variant. On other transcripts: non-coding transcript variant (1).
Genome position (GRCh38, 1-based): chr9:133,424,410, G>A. VCF-style: chr9-133424410-G-A. GRCh37 (hg19) VCF-style: chr9-136289530-G-A.
Other names: c.262G>A, p.Val88Met (NM_139025.5, NM_139026.6); short protein forms V88M.
Identifiers: ClinVar variation 68812 (VCV000068812.9), dbSNP rs281875302, ClinGen allele CA220013.